The following is an entry in ClinVar:

NM_005633.4(SOS1):c.3600C>A (p.Asp1200Glu)

Gene: SOS1 (SOS Ras/Rac guanine nucleotide exchange factor 1; minus strand). Cytogenetic location: 2p22.1.
Variant type: single nucleotide variant.
Coding change: c.3600C>A on transcript NM_005633.4 (MANE Select); coding-DNA position 3600, C replaced by A.
Protein change: p.Asp1200Glu; replaces aspartic acid 1200 with glutamic acid.
Molecular consequence: missense variant.
Genome position (GRCh38, 1-based): chr2:38,986,226, G>T on the plus strand (C>A on the coding strand, the complement: SOS1 is on the minus strand). VCF-style: chr2-38986226-G-T. GRCh37 (hg19) VCF-style: chr2-39213367-G-T.
Other names: c.3579C>A, p.Asp1193Glu (NM_001382394.1); c.3555C>A, p.Asp1185Glu (NM_001382395.1); short protein forms D1200E, D1185E, D1193E.
Identifiers: ClinVar variation 45365 (VCV000045365.12), dbSNP rs141594736, ClinGen allele CA136143.

ClinVar aggregate classification (germline): Conflicting classifications of pathogenicity. Review status: criteria provided, conflicting classifications (1 of 4 stars). 4 submissions from 4 submitters: Uncertain significance (1); Benign (1); Likely benign (2). Last evaluated 2026-01-19.

Conditions:
Cardiovascular phenotype. Identifiers: MedGen CN230736.
RASopathy. Also called: Noonan spectrum disorder; rasopathies. Identifiers: Orphanet 536391, MedGen C5555857, MONDO:0021060.
Noonan syndrome 4 (NS4). Also called: SOS1-Related Noonan Syndrome; NOONAN SYNDROME WITH PIGMENTED VILLONODULAR SYNOVITIS. Identifiers: Orphanet 648, MedGen C1853120, MONDO:0012547, OMIM 610733.

Allele frequency attached by ClinVar (database versions not stated): TOPMed 0.00001.
gnomAD v4.1: 16 of 1,613,778 alleles (0.00099%); highest among the groups gnomAD compares: Non-Finnish European, 0.00085%; no homozygotes.

Submissions (4):

Labcorp Genetics (formerly Invitae), Labcorp
Classification: Benign for RASopathy. Last evaluated: 2026-01-19. Review status: criteria provided, single submitter. Criteria: Invitae Variant Classification Sherloc (09022015). Collection method: clinical testing. Allele origin: germline.

Ambry Genetics
Classification: Likely benign for Cardiovascular phenotype. Last evaluated: 2025-06-17. Review status: criteria provided, single submitter. Criteria: Ambry Variant Classification Scheme 2023. Collection method: clinical testing. Allele origin: germline.

Victorian Clinical Genetics Services, Murdoch Childrens Research Institute
Classification: Likely benign for Noonan syndrome 4. Last evaluated: 2022-02-02. Review status: criteria provided, single submitter. Criteria: ACMG Guidelines, 2015. Collection method: clinical testing. Allele origin: germline. Inheritance: Autosomal dominant inheritance.
Comment: Based on the classification scheme VCGS_Germline_v1.3.4, this variant is classified as Likely benign. Following criteria are met: 0101 - Gain of function is a known mechanism of disease in this gene and is associated with Noonan syndrome 4 (MIM#610733). (I) 0107 - This gene is associated with autosomal dominant disease. (I) 0115 - Variants in this gene are known to have variable expressivity. Due to ascertainment bias and variable expressivity with frequent subtlety of features, the penetrance of Noonan syndrome is difficult to determine; affected adults are often diagnosed only after the diagnosis of a more severely affected child (GeneReviews). (I) 0200 - Variant is predicted to result in a missense amino acid change from aspartic acid to glutamic acid. (I) 0251 - This variant is heterozygous. (I) 0302 - Variant is present in gnomAD (v2) <0.001 for a dominant condition (4 heterozygotes, 0 homozygotes). An alternative change at this nucleotide which results in the same change to glutamic acid has also been reported in gnomAD (v2) (44 heterozygotes, 0 homozygotes). (SP) 0309 - A few alternative amino acid changes at the same position have been observed in gnomAD (v2) (highest allele count: 11 heterozygotes, 0 homozygotes). (I) 0503 - Missense variant consistently predicted to be tolerated by multiple in silico tools or not conserved in placental mammals with a minor amino acid change. (SB) 0604 - Variant is not located in an established domain, motif, hotspot or informative constraint region. (I) 0705 - No comparable missene variants have previous evidence for pathogenicity. (I) 0808 - Previous reports of pathogenicity for this variant are conflicting. This variant has been reported as a VUS once in ClinVar. Another change at this nucleotide which also results in a change to glutamic acid has been reported multiple times as likely benign in ClinVar. One of the submissions has a three star rating from FDA for Noonan syndrome. (I) 0905 - No published segregation evidence has been identified for this variant. (I) 1007 - No published functional evidence has been identified for this variant. (I) Legend: (SP) - Supporting pathogenic, (I) - Information, (SB) - Supporting benign

Laboratory for Molecular Medicine, Mass General Brigham Personalized Medicine
Classification: Uncertain significance. Last evaluated: 2012-02-29. Review status: criteria provided, single submitter. Criteria: LMM Criteria. Collection method: clinical testing. Allele origin: germline. Observed: 1 variant allele.
Comment: Variant classified as Uncertain Significance - Favor Benign. The Asp1200Glu vari ant has not been reported in the literature nor previously identified by our lab oratory. Computational analyses (biochemical amino acid properties, conservatio n, AlignGVGD, PolyPhen2, and SIFT) suggest that the Asp1200Glu variant may not i mpact the protein, though this information is not predictive enough to rule out pathogenicity. In addition, a different nucleotide substitution at this positio n (c.3600C>G) resulting in the same amino acid change has been identified in 0.0 3% (2/7020) of European American chromosomes from a broad population by the NHLB I Exome Sequencing Project (rs141594736). Alt hough this data supports that the Asp1200Glu variant may be benign, additional s tudies are needed to fully assess its clinical significance.